The following is an entry in ClinVar:

ClinVar aggregate classification (germline): Uncertain significance (1 of 4 stars; one submission).

Conditions:
Hereditary cancer-predisposing syndrome. Also called: Tumor predisposition; Neoplastic Syndromes, Hereditary; Hereditary neoplastic syndrome; Hereditary Cancer Syndrome. Identifiers: Orphanet 140162, MedGen C0027672, MeSH D009386, MONDO:0015356.

Submission:

Color Diagnostics, LLC DBA Color Health
Classification: Uncertain significance for Hereditary cancer-predisposing syndrome. Last evaluated: 2024-09-09. Review status: criteria provided, single submitter. Criteria: ACMG Guidelines, 2015. Collection method: clinical testing. Allele origin: germline.
Comment: This missense variant replaces valine with phenylalanine at codon 2662 of the ATM protein. Computational prediction suggests that this variant may have deleterious impact on protein structure and function. To our knowledge, functional studies have not been reported for this variant. This variant has not been reported in individuals affected with ATM-related disorders in the literature. This variant has not been identified in the general population by the Genome Aggregation Database (gnomAD). The available evidence is insufficient to determine the role of this variant in disease conclusively. Therefore, this variant is classified as a Variant of Uncertain Significance.

NM_000051.4(ATM):c.7984G>T (p.Val2662Phe)

Genes: ATM (ATM serine/threonine kinase; plus strand), C11orf65 (chromosome 11 open reading frame 65; minus strand). Cytogenetic location: 11q22.3.
Variant type: single nucleotide variant.
Coding change: c.7984G>T on transcript NM_000051.4 (MANE Select); coding-DNA position 7984, G replaced by T.
Protein change: p.Val2662Phe; replaces valine 2662 with phenylalanine.
Molecular consequence: missense variant. On other transcripts: intron variant (2).
Genome position (GRCh38, 1-based): chr11:108,333,942, G>T. VCF-style: chr11-108333942-G-T. GRCh37 (hg19) VCF-style: chr11-108204669-G-T.
Other names: c.7984G>T, p.Val2662Phe (NM_001351834.2); c.641-24871C>A (NM_001330368.2); c.*38+1278C>A (NM_001351110.2); short protein forms V2662F.
Identifiers: ClinVar variation 919744 (VCV000919744.6), dbSNP rs1315805984, ClinGen allele CA382561769.